The following is an entry in ClinVar:

ClinVar aggregate classification (germline): Uncertain significance (1 of 4 stars; one submission).

Allele frequency attached by ClinVar (database versions not stated): gnomAD 0.00001.
gnomAD v4.1: 5 of 1,249,182 alleles (0.0004%); highest among the groups gnomAD compares: South Asian, 0.016%; no homozygotes.

Submission:

Labcorp Genetics (formerly Invitae), Labcorp
Classification: Uncertain significance. Last evaluated: 2022-11-01. Review status: criteria provided, single submitter. Criteria: Invitae Variant Classification Sherloc (09022015). Collection method: clinical testing. Allele origin: germline.
Comment: This variant has not been reported in the literature in individuals affected with PAX1-related conditions. Algorithms developed to predict the effect of missense changes on protein structure and function are either unavailable or do not agree on the potential impact of this missense change (SIFT: "Deleterious"; PolyPhen-2: "Probably Damaging"; Align-GVGD: "Class C0"). In summary, the available evidence is currently insufficient to determine the role of this variant in disease. Therefore, it has been classified as a Variant of Uncertain Significance. This variant is not present in population databases (gnomAD no frequency). This sequence change replaces glycine, which is neutral and non-polar, with glutamic acid, which is acidic and polar, at codon 8 of the PAX1 protein (p.Gly8Glu).

NM_001257096.2(PAX1):c.23G>A (p.Gly8Glu)

Gene: PAX1 (paired box 1; plus strand). Cytogenetic location: 20p11.22.
Variant type: single nucleotide variant.
Coding change: c.23G>A on transcript NM_001257096.2 (MANE Select); coding-DNA position 23, G replaced by A.
Protein change: p.Gly8Glu; replaces glycine 8 with glutamic acid.
Molecular consequence: missense variant.
Genome position (GRCh38, 1-based): chr20:21,705,735, G>A. VCF-style: chr20-21705735-G-A. GRCh37 (hg19) VCF-style: chr20-21686373-G-A.
Other names: c.23G>A, p.Gly8Glu (NM_006192.5); short protein forms G8E.
Identifiers: ClinVar variation 1716509 (VCV001716509.5), dbSNP rs1984954100, ClinGen allele CA408496708.